The following is an entry in ClinVar:

NM_052947.4(ALPK2):c.4321A>G (p.Met1441Val)

Genes: ALPK2 (alpha kinase 2; minus strand), LOC126862764 (BRD4-independent group 4 enhancer GRCh37_chr18:56202574-56203773; plus strand). Cytogenetic location: 18q21.31.
Variant type: single nucleotide variant.
Coding change: c.4321A>G on transcript NM_052947.4 (MANE Select); coding-DNA position 4321, A replaced by G.
Protein change: p.Met1441Val; replaces methionine 1441 with valine.
Molecular consequence: missense variant.
Genome position (GRCh38, 1-based): chr18:58,535,866, T>C on the plus strand (A>G on the coding strand, the complement: ALPK2 is on the minus strand). VCF-style: chr18-58535866-T-C. GRCh37 (hg19) VCF-style: chr18-56203098-T-C.
Other names: short protein forms M1441V.
Identifiers: ClinVar variation 1739705 (VCV001739705.5), dbSNP rs150887928, ClinGen allele CA8976727.

ClinVar aggregate classification (germline): Likely benign. Review status: criteria provided, single submitter (1 of 4 stars). 2 submissions from 2 submitters: Likely benign (1). 1 of the submissions does not count toward it. Last evaluated 2025-08-08.

Conditions:
ALPK2-related disorder. Also called: ALPK2-related condition.

Allele frequency attached by ClinVar (database versions not stated): gnomAD exomes 0.00017; ExAC 0.00046; ESP Exome Variant Server 0.00108; 1000 Genomes Project 30x 0.00109; gnomAD 0.00139; 1000 Genomes Project 0.00140; TOPMed 0.00169.

Submissions (2):

Ambry Genetics
Classification: Likely benign. Last evaluated: 2025-08-08. Review status: criteria provided, single submitter. Criteria: Ambry Variant Classification Scheme 2023. Collection method: clinical testing. Allele origin: germline.

PreventionGenetics, part of Exact Sciences
Classification: Likely benign for ALPK2-related condition. Last evaluated: 2020-10-26. Review status: no assertion criteria provided. Collection method: clinical testing. Allele origin: germline. Not counted in ClinVar's aggregate classification.
Comment: This variant is classified as likely benign based on ACMG/AMP sequence variant interpretation guidelines (Richards et al. 2015 PMID: 25741868, with internal and published modifications).